The following is an entry in ClinVar:

ClinVar aggregate classification (germline): Pathogenic/Likely pathogenic. Review status: criteria provided, multiple submitters, no conflicts (2 of 4 stars). 12 submissions from 12 submitters: Pathogenic (5); Likely pathogenic (5). 2 of the submissions do not count toward it. Last evaluated 2026-04-01.

Conditions:
Hereditary cancer-predisposing syndrome. Also called: Neoplastic Syndromes, Hereditary; Tumor predisposition; Hereditary Cancer Syndrome; Hereditary neoplastic syndrome. Identifiers: Orphanet 140162, MedGen C0027672, MeSH D009386, MONDO:0015356.
Multiple endocrine neoplasia, type 1 (MEN1). Also called: WERMER SYNDROME; MEA I; Endocrine adenomatosis multiple; MEN 1; MEN I. Identifiers: Orphanet 652, MedGen C0025267, MeSH D018761, MONDO:0007540, OMIM 131100.

Allele frequency attached by ClinVar (database versions not stated): gnomAD exomes below 0.00001.

Submissions (12):

CeGaT Center for Human Genetics Tuebingen
Classification: Likely pathogenic. Last evaluated: 2026-04-01. Review status: criteria provided, single submitter. Criteria: CeGaT Center For Human Genetics Tuebingen Variant Classification Criteria Version 2. Collection method: clinical testing. Allele origin: germline. Affected: yes. Observed: 1 variant allele.
Comment: MEN1: PM2, PS4:Moderate, PVS1:Moderate, PP4

Center for Genomic Medicine, Rigshospitalet, Copenhagen University Hospital
Classification: Likely pathogenic. Last evaluated: 2025-12-29. Review status: criteria provided, single submitter. Criteria: ACMG Guidelines, 2015. Collection method: clinical testing. Allele origin: germline.
Comment: Classification criteria: PVS1_Moderate, PP4_Strong, PM2_Supporting, PP1_Supporting

Labcorp Genetics (formerly Invitae), Labcorp
Classification: Pathogenic for Multiple endocrine neoplasia, type 1. Last evaluated: 2025-10-09. Review status: criteria provided, single submitter. Criteria: Invitae Variant Classification Sherloc (09022015). Collection method: clinical testing. Allele origin: germline.
Comment: This sequence change affects the initiator codon of the MEN1 mRNA. This change may impact translation initiation or efficiency. The next in-frame methionine is located at codon 228. This variant is not present in population databases (gnomAD no frequency). Disruption of the initiator codon has been observed in individuals with multiple endocrine neoplasia, type 1 (PMID: 28736585, 29036195; internal data). Invitae Evidence Modeling of clinical and family history, age, sex, and reported ancestry of multiple individuals with this MEN1 variant has been performed. This variant is expected to be pathogenic with a positive predictive value of at least 99%. This is a validated machine learning model that incorporates the clinical features of 1,366,787 individuals referred to our laboratory for MEN1 testing. ClinVar contains an entry for this variant (Variation ID: 36525). For these reasons, this variant has been classified as Pathogenic.

Ambry Genetics
Classification: Pathogenic for Hereditary cancer-predisposing syndrome. Last evaluated: 2025-02-11. Review status: criteria provided, single submitter. Criteria: Ambry Variant Classification Scheme 2023. Collection method: clinical testing. Allele origin: germline.
Comment: The p.M1? pathogenic mutation (also known as c.1A>G) is located in coding exon 1 of the MEN1 gene and results from a A to G substitution at nucleotide position 1. This alters the methionine residue at the initiation codon (ATG). This pathogenic mutation has been reported in a family with familial isolated hyperparathyroidism. Note: In this paper the M1? (c.1A>G) pathogenic mutation was incorrectly referred to as L112V; however HGMD and the authors of this paper have verified that this represents the same mutation (Villablanca A et al. Eur. J. Endocrinol. 2002 Sep; 147(3):313-22). This pathogenic mutation has also been reported in another affected family; however, specific clinical information was not provided (Klein RD et al. Genet. Med. 2005 Feb; 7(2):131-8).This variant is considered to be rare based on population cohorts in the Genome Aggregation Database (gnomAD). In addition to the clinical data presented in the literature, sequence variations that modify the initiation codon are expected to result in either loss of translation initiation, N-terminal truncation, or cause a shift in the mRNA reading frame. Based on the supporting evidence, this variant is interpreted as a disease-causing mutation.

All of Us Research Program, National Institutes of Health
Classification: Pathogenic for Multiple endocrine neoplasia, type 1. Last evaluated: 2023-10-02. Review status: criteria provided, single submitter. Criteria: ACMG Guidelines, 2015. Collection method: clinical testing. Allele origin: germline. Inheritance: Autosomal dominant inheritance. Observed: 1 variant allele, 1 heterozygote.
Comment: This variant disrupts the translation initiation codon of the MEN1 protein. The next in-frame methionine is at codon 228, which if used for translation initiation would truncate the N-terminal domain containing binding sites to lens epithelium-derived growth factor (LEDGF) and MLL1 (PMID: 22327296), therefore the loss of p.Met1 is expected to result in an absent or non-functional protein product. To our knowledge, functional studies have not been reported for this variant. The loss of the translation initiation codon has been reported in multiple individuals and families affected with multiple endocrine neoplasia, type 1 (PMID: 15714081, 26515642, 26767918, 28736585, 29036195). This variant has not been identified in the general population by the Genome Aggregation Database (gnomAD). Based on the available evidence, this variant is classified as Pathogenic.

This study involves interpretation of variants in research participants for the purpose of population health screening. Participant phenotype was not available at the time of variant classification. Additional details can be found in publication PMID: 35346344, PMCID: PMC8962531

Color Diagnostics, LLC DBA Color Health
Classification: Pathogenic for Multiple endocrine neoplasia, type 1. Last evaluated: 2023-08-23. Review status: criteria provided, single submitter. Criteria: ACMG Guidelines, 2015. Collection method: clinical testing. Allele origin: germline.
Comment: This variant disrupts the translation initiation codon of the MEN1 protein. The next in-frame methionine is at codon 228, which if used for translation initiation would truncate the N-terminal domain containing binding sites to lens epithelium-derived growth factor (LEDGF) and MLL1 (PMID: 22327296), therefore the loss of p.Met1 is expected to result in an absent or non-functional protein product. To our knowledge, functional studies have not been reported for this variant. The loss of the translation initiation codon has been reported in multiple individuals and families affected with multiple endocrine neoplasia, type 1 (PMID: 15714081, 26515642, 26767918, 28736585, 29036195). This variant has not been identified in the general population by the Genome Aggregation Database (gnomAD). Based on the available evidence, this variant is classified as Pathogenic.

Genetics and Molecular Pathology, SA Pathology
Classification: Likely pathogenic for Multiple endocrine neoplasia, type 1. Last evaluated: 2021-10-22. Review status: criteria provided, single submitter. Criteria: ACMG Guidelines, 2015. Collection method: clinical testing. Allele origin: germline. Inheritance: Autosomal dominant inheritance. Affected: yes.

GeneDx
Classification: Likely pathogenic. Last evaluated: 2017-03-08. Review status: criteria provided, single submitter. Criteria: GeneDx Variant Classification (06012015). Collection method: clinical testing. Allele origin: germline. Affected: yes.
Comment: The c.1 A>G variant in the MEN1 gene has previously been reported in at least one individual undergoing genetic testing for multiple endocrine neoplasia type 1 (Klein et al., 2005). This variant alters the initiator Methionine codon, and the resultant protein would be described as p.Met1?" to signify that it is not known if the loss of Met1 prevents all protein translation or if an abnormal protein is produced using an alternate Methionine codon. Based on currently available evidence, we consider c.1A>G to be a strong candidate for a pathogenic variant. However, the possibility it is a rare benign variant cannot be excluded."

ARUP Laboratories, Molecular Genetics and Genomics, ARUP Laboratories
Classification: Pathogenic. Last evaluated: 2016-12-13. Review status: criteria provided, single submitter. Criteria: ARUP Molecular Germline Variant Investigation Process. Collection method: clinical testing. Allele origin: germline.

Women's Health and Genetics/Laboratory Corporation of America, LabCorp
Classification: Likely pathogenic for Multiple Endocrine Neoplasia Type 1. Last evaluated: 2011-08-18. Review status: criteria provided, single submitter. Criteria: LabCorp Variant Classification Summary - May 2015. Collection method: curation, clinical testing. Allele origin: germline. Inheritance: autosomal dominant. Affected: yes. Observed: 1 variant allele.
ClinVar note: Converted during submission from likely pathogenic to Likely pathogenic.

Genome Diagnostics Laboratory, University Medical Center Utrecht
Classification: Pathogenic. Review status: no assertion criteria provided. Collection method: clinical testing. Allele origin: germline. Affected: yes. Study: VKGL Data-share Consensus. Not counted in ClinVar's aggregate classification.

Joint Genome Diagnostic Labs from Nijmegen and Maastricht, Radboudumc and MUMC+
Classification: Likely pathogenic. Review status: no assertion criteria provided. Collection method: clinical testing. Allele origin: germline. Affected: yes. Study: VKGL Data-share Consensus. Not counted in ClinVar's aggregate classification.

Literature cited by the submitters: PubMed 28736585 (cited by 4 submitters); PubMed 29036195 (cited by 3 submitters); PubMed 12213668 (cited by Ambry Genetics); PubMed 15714081 (cited by 4 submitters); PubMed 22327296 (cited by All of Us Research Program, National Institutes of Health and Color Diagnostics, LLC DBA Color Health); PubMed 26515642 (cited by All of Us Research Program, National Institutes of Health and Color Diagnostics, LLC DBA Color Health); PubMed 26767918 (cited by All of Us Research Program, National Institutes of Health and Color Diagnostics, LLC DBA Color Health).

NM_001370259.2(MEN1):c.1A>G (p.Met1Val)

Gene: MEN1 (menin 1; minus strand). Cytogenetic location: 11q13.1.
Variant type: single nucleotide variant.
Coding change: c.1A>G on transcript NM_001370259.2 (MANE Select); coding-DNA position 1, A replaced by G.
Protein change: p.Met1Val; changes the start codon (methionine 1).
Molecular consequence: missense variant, initiator codon variant.
Genome position (GRCh38, 1-based): chr11:64,810,109, T>C on the plus strand (A>G on the coding strand, the complement: MEN1 is on the minus strand). VCF-style: chr11-64810109-T-C. GRCh37 (hg19) VCF-style: chr11-64577581-T-C.
Other names: c.1A>G, p.Met1Val (NM_000244.4, NM_001370251.2, NM_001370260.2 and 9 more transcripts); short protein forms M1V.
Identifiers: ClinVar variation 36525 (VCV000036525.37), dbSNP rs386134250, ClinGen allele CA009318.